The following is an entry in ClinVar:

ClinVar aggregate classification (germline): Pathogenic. Review status: criteria provided, multiple submitters, no conflicts (2 of 4 stars). 4 submissions from 4 submitters: Pathogenic (4). Last evaluated 2025-10-29.

Conditions:
MYBPC3-related disorder. Also called: MYBPC3-related condition; MYBPC3-related disease; MYBPC3-related disorders.
Hypertrophic cardiomyopathy. Also called: HYPERTROPHIC MYOCARDIOPATHY. Identifiers: Orphanet 217569, MedGen C0007194, MeSH D002312, MONDO:0005045, HP:0001639.
Cardiovascular phenotype. Identifiers: MedGen CN230736.

Submissions (4):

Labcorp Genetics (formerly Invitae), Labcorp
Classification: Pathogenic for Hypertrophic cardiomyopathy. Last evaluated: 2025-10-29. Review status: criteria provided, single submitter. Criteria: Invitae Variant Classification Sherloc (09022015). Collection method: clinical testing. Allele origin: germline.
Comment: This sequence change creates a premature translational stop signal (p.Pro161Hisfs*6) in the MYBPC3 gene. It is expected to result in an absent or disrupted protein product. Loss-of-function variants in MYBPC3 are known to be pathogenic (PMID: 19574547). This variant is not present in population databases (gnomAD no frequency). This premature translational stop signal has been observed in individual(s) with hypertrophic cardiomyopathy (PMID: 32344918). This variant is also known as p.P161Hfs*5. ClinVar contains an entry for this variant (Variation ID: 520371). For these reasons, this variant has been classified as Pathogenic.

PreventionGenetics, part of Exact Sciences
Classification: Pathogenic for MYBPC3-related condition. Last evaluated: 2025-06-17. Review status: criteria provided, single submitter. Criteria: ACMG Guidelines, 2015. Collection method: clinical testing. Allele origin: germline.
Comment: The MYBPC3 c.480delG variant is predicted to result in a frameshift and premature protein termination (p.Pro161Hisfs*6). This variant was reported in an individual with hypertrophic cardiomyopathy (Table 3, Gao et al. 2020. PubMed ID: 32344918; McGurk et al. 2023. PubMed ID: 37652022). This variant has not been reported in a large population database (gnomAD), indicating this variant is rare. Frameshift variants in MYBPC3 are expected to be pathogenic. This variant is interpreted as pathogenic.

GeneDx
Classification: Pathogenic. Last evaluated: 2023-12-26. Review status: criteria provided, single submitter. Criteria: GeneDx Variant Classification Process June 2021. Collection method: clinical testing. Allele origin: germline. Affected: yes.
Comment: Frameshift variant predicted to result in protein truncation or nonsense mediated decay in a gene for which loss of function is a known mechanism of disease; Not observed at significant frequency in large population cohorts (gnomAD); This variant is associated with the following publications: (PMID: 32344918)

Ambry Genetics
Classification: Pathogenic for Cardiovascular phenotype. Last evaluated: 2017-08-14. Review status: criteria provided, single submitter. Criteria: Ambry Variant Classification Scheme 2023. Collection method: clinical testing. Allele origin: germline.
Comment: The c.480delG pathogenic mutation, located in coding exon 4 of the MYBPC3 gene, results from a deletion of one nucleotide at nucleotide position 480, causing a translational frameshift with a predicted alternate stop codon (p.P161Hfs*6). This alteration is expected to result in loss of function by premature protein truncation or nonsense-mediated mRNA decay. As such, this alteration is interpreted as a disease-causing mutation.

Literature cited by the submitters: PubMed 19574547 (cited by Labcorp Genetics (formerly Invitae), Labcorp); PubMed 32344918 (cited by Labcorp Genetics (formerly Invitae), Labcorp).

NM_000256.3(MYBPC3):c.480del (p.Pro161fs)

Gene: MYBPC3 (myosin binding protein C3; minus strand). Cytogenetic location: 11p11.2.
Variant type: Deletion.
Coding change: c.480del on transcript NM_000256.3 (MANE Select); coding-DNA position 480, one base deleted (G; older notation c.480delG).
Protein change: p.Pro161fs; shifts the reading frame from proline 161.
Molecular consequence: frameshift variant.
Genome position (GRCh38, 1-based): chr11:47,350,039, C deleted on the plus strand (G on the coding strand, the reverse complement: MYBPC3 is on the minus strand); the first of 2 consecutive C bases (chr11:47,350,039-47,350,040); deleting either gives the same sequence. VCF-style (leftmost placement, unchanged base first): chr11-47350038-GC-G. GRCh37 (hg19) VCF-style: chr11-47371589-GC-G.
Other names: c.480delG (NM_000256.3); c.480del, p.Pro161fs (LRG_386t1); short protein forms P161fs.
Identifiers: ClinVar variation 520371 (VCV000520371.11), dbSNP rs1555123496, ClinGen allele CA658797646.